The following is an entry in ClinVar:

ClinVar aggregate classification (germline): Uncertain significance (1 of 4 stars; one submission).

Submission:

Labcorp Genetics (formerly Invitae), Labcorp
Classification: Uncertain significance. Last evaluated: 2025-03-25. Review status: criteria provided, single submitter. Criteria: Invitae Variant Classification Sherloc (09022015). Collection method: clinical testing. Allele origin: germline.
Comment: This sequence change replaces serine, which is neutral and polar, with glycine, which is neutral and non-polar, at codon 439 of the CDH2 protein (p.Ser439Gly). This variant is present in population databases (no rsID available, gnomAD 0.0009%). This variant has not been reported in the literature in individuals affected with CDH2-related conditions. An algorithm developed to predict the effect of missense changes on protein structure and function (PolyPhen-2) suggests that this variant is likely to be tolerated. In summary, the available evidence is currently insufficient to determine the role of this variant in disease. Therefore, it has been classified as a Variant of Uncertain Significance.

NM_001792.5(CDH2):c.1315A>G (p.Ser439Gly)

Gene: CDH2 (cadherin 2; minus strand). Cytogenetic location: 18q12.1.
Variant type: single nucleotide variant.
Coding change: c.1315A>G on transcript NM_001792.5 (MANE Select); coding-DNA position 1315, A replaced by G.
Protein change: p.Ser439Gly; replaces serine 439 with glycine.
Molecular consequence: missense variant.
Genome position (GRCh38, 1-based): chr18:27,992,684, T>C on the plus strand (A>G on the coding strand, the complement: CDH2 is on the minus strand). VCF-style: chr18-27992684-T-C. GRCh37 (hg19) VCF-style: chr18-25572648-T-C.
Other names: c.1222A>G, p.Ser408Gly (NM_001308176.2); short protein forms S408G, S439G.
Identifiers: ClinVar variation 4705256 (VCV004705256.1).
Genomic context (GRCh38, chr18:27,992,684, plus strand): 5'-TGGAGAGATCAGTGGCCCGAGGAACACTTACTTTGACCACGGTGACTAACCCGTCGTTGC[T>C]GTTTGGGTCGGTCTGGATGGCGAACCGTCCAGTAGGATCTCCGCCACTGATTCTGTACAC-3'
Protein context (NP_001783.2, residues 429-449): GRFAIQTDPN[Ser439Gly]NDGLVTVVKP